The following is an entry in ClinVar:

NM_000093.5(COL5A1):c.2284C>A (p.Pro762Thr)

Gene: COL5A1 (collagen type V alpha 1 chain; plus strand). Cytogenetic location: 9q34.3.
Variant type: single nucleotide variant.
Coding change: c.2284C>A on transcript NM_000093.5 (MANE Select); coding-DNA position 2284, C replaced by A.
Protein change: p.Pro762Thr; replaces proline 762 with threonine.
Molecular consequence: missense variant.
Genome position (GRCh38, 1-based): chr9:134,768,461, C>A. VCF-style: chr9-134768461-C-A. GRCh37 (hg19) VCF-style: chr9-137660307-C-A.
Other names: c.2284C>A, p.Pro762Thr (NM_001278074.1); c.2284C>A (NM_000093.3); short protein forms P762T.
Identifiers: ClinVar variation 1901026 (VCV001901026.7), dbSNP rs202175001, ClinGen allele CA5319249.

ClinVar aggregate classification (germline): Uncertain significance. Review status: criteria provided, multiple submitters, no conflicts (2 of 4 stars). 3 submissions from 3 submitters: Uncertain significance (3). Last evaluated 2025-10-20.

Conditions:
Ehlers-Danlos syndrome, classic type, 1 (EDSCL1). Also called: Ehlers-Danlos syndrome, type 1; Ehlers-Danlos Syndrome, Classic Type, COL5A1-Related; EDS I; EHLERS-DANLOS SYNDROME, GRAVIS TYPE; EHLERS-DANLOS SYNDROME, SEVERE CLASSIC TYPE. Identifiers: MedGen C0268335, MONDO:0019567, OMIM 130000.

Allele frequency attached by ClinVar (database versions not stated): gnomAD exomes below 0.00001; ExAC 0.00001.
gnomAD v4.1: 5 of 1,613,962 alleles (0.00031%); highest among the groups gnomAD compares: Non-Finnish European, 0.00025%; no homozygotes.

Submissions (3):

Women's Health and Genetics/Laboratory Corporation of America, LabCorp
Classification: Uncertain significance. Last evaluated: 2025-10-20. Review status: criteria provided, single submitter. Criteria: LabCorp Variant Classification Summary - May 2015. Collection method: clinical testing. Allele origin: germline.
Comment: Variant summary: COL5A1 c.2284C>A (p.Pro762Thr) results in a non-conservative amino acid change in the encoded protein sequence. Algorithms developed to predict the effect of missense changes on protein structure and function all suggest that this variant is likely to be disruptive. Consensus agreement among computation tools predict no significant impact on normal splicing. However, these predictions have yet to be confirmed by functional studies. The variant allele was found at a frequency of 1.2e-05 in 251402 control chromosomes. The available data on variant occurrences in the general population are insufficient to allow any conclusion about variant significance. To our knowledge, no occurrence of c.2284C>A in individuals affected with COL5A1-related conditions and no experimental evidence demonstrating its impact on protein function have been reported. ClinVar contains an entry for this variant (Variation ID: 1901026). Based on the evidence outlined above, the variant was classified as uncertain significance.

GeneDx
Classification: Uncertain significance. Last evaluated: 2023-05-04. Review status: criteria provided, single submitter. Criteria: GeneDx Variant Classification Process June 2021. Collection method: clinical testing. Allele origin: germline. Affected: yes.
Comment: Not observed at significant frequency in large population cohorts (gnomAD); Occurs in the triple helical domain at the Y position in the canonical Gly-X-Y repeat; although this variant may have an effect on normal protein folding and function, missense substitution at the Y position is not a common mechanism of disease (Symoens et al., 2012; HGMD); In silico analysis supports that this missense variant has a deleterious effect on protein structure/function; Has not been previously published as pathogenic or benign to our knowledge; This variant is associated with the following publications: (PMID: 22696272)

Labcorp Genetics (formerly Invitae), Labcorp
Classification: Uncertain significance for Ehlers-Danlos syndrome, classic type, 1. Last evaluated: 2022-10-23. Review status: criteria provided, single submitter. Criteria: Invitae Variant Classification Sherloc (09022015). Collection method: clinical testing. Allele origin: germline.
Comment: This sequence change replaces proline, which is neutral and non-polar, with threonine, which is neutral and polar, at codon 762 of the COL5A1 protein (p.Pro762Thr). This variant is present in population databases (rs202175001, gnomAD 0.003%). This variant has not been reported in the literature in individuals affected with COL5A1-related conditions. Algorithms developed to predict the effect of missense changes on protein structure and function are either unavailable or do not agree on the potential impact of this missense change (SIFT: "Deleterious"; PolyPhen-2: "Benign"; Align-GVGD: "Class C0"). In summary, the available evidence is currently insufficient to determine the role of this variant in disease. Therefore, it has been classified as a Variant of Uncertain Significance.